The following is an entry in ClinVar:

NC_000009.12:g.(?_134834951)_(134835224_?)del

Genes: COL5A1 (collagen type V alpha 1 chain; plus strand), LOC101448202 (uncharacterized LOC101448202; minus strand). Cytogenetic location: 9q34.3.
Variant type: Deletion.
Identifiers: ClinVar variation 529308 (VCV000529308.8).

ClinVar aggregate classification (germline): Likely pathogenic. Review status: criteria provided, single submitter (1 of 4 stars). 2 submissions from 1 submitter: Likely pathogenic (2). Last evaluated 2017-10-28.

Conditions:
Ehlers-Danlos syndrome, classic type (cEDS). Identifiers: Orphanet 287, MedGen C4225429, MONDO:0007522.
Ehlers-Danlos syndrome, classic type, 1 (EDSCL1). Also called: Ehlers-Danlos Syndrome, Classic Type, COL5A1-Related; EDS I; Ehlers-Danlos syndrome, type 1; EHLERS-DANLOS SYNDROME, GRAVIS TYPE; EHLERS-DANLOS SYNDROME, SEVERE CLASSIC TYPE. Identifiers: MedGen C0268335, MONDO:0019567, OMIM 130000.

Submissions (2):

Labcorp Genetics (formerly Invitae), Labcorp
Classification: Likely pathogenic for Ehlers-Danlos syndrome, classic type, 1. Last evaluated: 2017-10-28. Review status: criteria provided, single submitter. Criteria: Invitae Variant Classification Sherloc (09022015). Collection method: clinical testing. Allele origin: germline.
Comment: This variant is an in-frame deletion of the genomic region encompassing exon 65 of the COL5A1 gene. It preserves the integrity of the reading frame. This variant has not been reported in the literature in individuals with COL5A1-related disease. However, a splice variant giving rise to an exon 65 skipping has been reported segregating with disease in a family affected with Ehlers-Danlos syndrome (PMID: 8923000). A variant involving an amino acid deletion in this exon (p.Ser1714del) has been determined to be pathogenic (Invitae). This suggests that this codon is critical for COL5A1 protein function and that a deletion of exon 65 may also be pathogenic. In summary, the currently available evidence indicates that the variant is pathogenic, but additional data are needed to prove that conclusively. Therefore, this variant has been classified as Likely Pathogenic.

Labcorp Genetics (formerly Invitae), Labcorp
Classification: Likely pathogenic for Ehlers-Danlos syndrome, classic type, 1. Last evaluated: 2017-09-20. Review status: criteria provided, single submitter. Criteria: Invitae Variant Classification Sherloc (09022015). Collection method: clinical testing. Allele origin: germline.
Comment: A variant involving an amino acid deletion in this exon (p.Ser1714del) has been determined to be pathogenic (Invitae). This suggests that this codon is critical for COL5A1 protein function and that a deletion of exon 65 may also be pathogenic. In summary, the currently available evidence indicates that the variant is pathogenic, but additional data are needed to prove that conclusively. Therefore, this variant has been classified as Likely Pathogenic. This variant is an in-frame deletion of the genomic region encompassing exon 65 of the COL5A1 gene. It preserves the integrity of the reading frame. This variant has not been reported in the literature in individuals with COL5A1-related disease. However, a splice variant giving rise to an exon 65 skipping has been reported segregating with disease in a family affected with Ehlers-Danlos syndrome (PMID: 8923000).

Literature cited by the submitters: PubMed 8923000.